The following is an entry in ClinVar:

NM_198253.3(TERT):c.1377G>T (p.Trp459Cys)

Gene: TERT (telomerase reverse transcriptase; minus strand). Cytogenetic location: 5p15.33.
Variant type: single nucleotide variant.
Coding change: c.1377G>T on transcript NM_198253.3 (MANE Select); coding-DNA position 1377, G replaced by T.
Protein change: p.Trp459Cys; replaces tryptophan 459 with cysteine.
Molecular consequence: missense variant. On other transcripts: non-coding transcript variant (2).
Genome position (GRCh38, 1-based): chr5:1,293,509, C>A on the plus strand (G>T on the coding strand, the complement: TERT is on the minus strand). VCF-style: chr5-1293509-C-A. GRCh37 (hg19) VCF-style: chr5-1293624-C-A.
Other names: c.1377G>T, p.Trp459Cys (NM_001193376.3); short protein forms W459C.
Identifiers: ClinVar variation 1387983 (VCV001387983.6), dbSNP rs2126684488, ClinGen allele CA359085926.
Genomic context (GRCh38, chr5:1,293,509, plus strand): 5'-GCCCCAGAGGCCTGGGGGCACCAGCCGGCGCAGGCAGGCCCGCACGAAGCCGTACACCTG[C>A]CAGGGGCTGCTGTGCTGGCGGAGCAGCTGCACCAGGCGACGGGGGTCTGTGTCCTCCTCC-3'
Protein context (NP_937983.2, residues 449-469): VQLLRQHSSP[Trp459Cys]QVYGFVRACL

ClinVar aggregate classification (germline): Uncertain significance (1 of 4 stars; one submission).

Conditions:
Idiopathic Pulmonary Fibrosis. Also called: Idiopathic fibrosing alveolitis, chronic form; idiopathic fibrosing alveolitis. Identifiers: Orphanet 2032, MedGen C1800706, MeSH D054990, MONDO:0800504.
Dyskeratosis congenita, autosomal dominant 2. Identifiers: MedGen C3151443, MONDO:0013521, OMIM 613989.

Submission:

Labcorp Genetics (formerly Invitae), Labcorp
Classification: Uncertain significance for Dyskeratosis congenita, autosomal dominant 2; Idiopathic Pulmonary Fibrosis. Last evaluated: 2021-10-19. Review status: criteria provided, single submitter. Criteria: Invitae Variant Classification Sherloc (09022015). Collection method: clinical testing. Allele origin: germline.
Comment: In summary, the available evidence is currently insufficient to determine the role of this variant in disease. Therefore, it has been classified as a Variant of Uncertain Significance. Advanced modeling of protein sequence and biophysical properties (such as structural, functional, and spatial information, amino acid conservation, physicochemical variation, residue mobility, and thermodynamic stability) performed at Invitae indicates that this missense variant is expected to disrupt TERT protein function. This variant has not been reported in the literature in individuals affected with TERT-related conditions. This variant is not present in population databases (ExAC no frequency). This sequence change replaces tryptophan with cysteine at codon 459 of the TERT protein (p.Trp459Cys). The tryptophan residue is moderately conserved and there is a large physicochemical difference between tryptophan and cysteine.